The following is an entry in ClinVar:

ClinVar aggregate classification (germline): Conflicting classifications of pathogenicity. Review status: criteria provided, conflicting classifications (1 of 4 stars). 6 submissions from 6 submitters: Uncertain significance (2); Likely benign (3). 1 of the submissions does not count toward it. Last evaluated 2026-01-26.

Conditions:
Congenital stationary night blindness 1E. Also called: Night blindness, congenital stationary (complete), 1E, autosomal recessive. Identifiers: Orphanet 215, MedGen C3281215, MONDO:0013807, OMIM 614565.
GPR179-related disorder. Also called: GPR179-related condition.
Retinal dystrophy. Also called: Inherited retinal dystrophy. Identifiers: HP:0000556, Orphanet 71862, MedGen C0854723, MeSH D058499, MONDO:0019118.

Allele frequency attached by ClinVar (database versions not stated): gnomAD 0.00079 and 0.00080; 1000 Genomes Project 0.00080; TOPMed 0.00084; ESP Exome Variant Server 0.00097; 1000 Genomes Project 30x 0.00109.
gnomAD v4.1: 1,997 of 1,614,034 alleles (0.12%); highest among the groups gnomAD compares: Non-Finnish European, 0.15%; 2 homozygotes.

Submissions (6):

Labcorp Genetics (formerly Invitae), Labcorp
Classification: Likely benign. Last evaluated: 2026-01-26. Review status: criteria provided, single submitter. Criteria: Invitae Variant Classification Sherloc (09022015). Collection method: clinical testing. Allele origin: germline.

PreventionGenetics, part of Exact Sciences
Classification: Likely benign for GPR179-related condition. Last evaluated: 2025-12-23. Review status: criteria provided, single submitter. Criteria: ACMG Guidelines, 2015. Collection method: clinical testing. Allele origin: germline.
Comment: This variant is classified as likely benign based on ACMG/AMP sequence variant interpretation guidelines (Richards et al. 2015 PMID: 25741868, with internal and published modifications).

Blueprint Genetics
Classification: Likely benign. Last evaluated: 2024-11-22. Review status: criteria provided, single submitter. Criteria: ACMG Guidelines, 2015. Collection method: clinical testing. Allele origin: germline.

Eurofins Ntd Llc (ga)
Classification: Uncertain significance. Last evaluated: 2018-06-12. Review status: criteria provided, single submitter. Criteria: EGL ClinVar v180209 classification definitions. Collection method: clinical testing. Allele origin: germline. Observed: 1 variant allele, 1 heterozygote.

Illumina Laboratory Services, Illumina
Classification: Uncertain significance for Congenital stationary night blindness 1E. Last evaluated: 2018-01-13. Review status: criteria provided, single submitter. Criteria: ICSL Variant Classification Criteria 13 December 2019. Collection method: clinical testing. Allele origin: germline.

Institute of Human Genetics, Univ. Regensburg, Univ. Regensburg
Classification: Uncertain significance for Retinal dystrophy. Last evaluated: 2022-01-01. Review status: no assertion criteria provided. Criteria: ACMG Guidelines, 2015. Collection method: clinical testing. Allele origin: germline. Affected: yes. Not counted in ClinVar's aggregate classification.

NM_001004334.4(GPR179):c.5982C>T (p.Ala1994=)

Gene: GPR179 (G protein-coupled receptor 179; minus strand). Cytogenetic location: 17q12.
Variant type: single nucleotide variant.
Coding change: c.5982C>T on transcript NM_001004334.4 (MANE Select); coding-DNA position 5982, C replaced by T.
Protein change: p.Ala1994=; no amino-acid change (alanine 1994 retained).
Molecular consequence: synonymous variant.
Genome position (GRCh38, 1-based): chr17:38,327,587, G>A on the plus strand (C>T on the coding strand, the complement: GPR179 is on the minus strand). VCF-style: chr17-38327587-G-A. GRCh37 (hg19) VCF-style: chr17-36483470-G-A.
Other names: c.5982C>T (NM_001004334.3).
Identifiers: ClinVar variation 322974 (VCV000322974.19), dbSNP rs185715311, ClinGen allele CA10645544.